The following is an entry in ClinVar:

NM_003924.4(PHOX2B):c.678G>T (p.Ala226=)

Gene: PHOX2B (paired like homeobox 2B; minus strand). Cytogenetic location: 4p13.
Variant type: single nucleotide variant.
Coding change: c.678G>T on transcript NM_003924.4 (MANE Select); coding-DNA position 678, G replaced by T.
Protein change: p.Ala226=; no amino-acid change (alanine 226 retained).
Molecular consequence: synonymous variant.
Genome position (GRCh38, 1-based): chr4:41,746,074, C>A on the plus strand (G>T on the coding strand, the complement: PHOX2B is on the minus strand). VCF-style: chr4-41746074-C-A. GRCh37 (hg19) VCF-style: chr4-41748091-C-A.
Identifiers: ClinVar variation 793841 (VCV000793841.18), dbSNP rs1577559118, ClinGen allele CA439142919.

ClinVar aggregate classification (germline): Likely benign. Review status: criteria provided, multiple submitters, no conflicts (2 of 4 stars). 3 submissions from 3 submitters: Likely benign (3). Last evaluated 2025-08-01.

Conditions:
Haddad syndrome (OHD). Also called: Ondine-Hirschsprung disease. Identifiers: Orphanet 99803, MedGen C1859049, MONDO:0020493.
Hereditary cancer-predisposing syndrome. Also called: Tumor predisposition; Neoplastic Syndromes, Hereditary; Hereditary Cancer Syndrome; Hereditary neoplastic syndrome. Identifiers: Orphanet 140162, MedGen C0027672, MeSH D009386, MONDO:0015356.

gnomAD v4.1: 2 of 1,447,786 alleles (0.00014%); highest among the groups gnomAD compares: Non-Finnish European, 0.00018%; no homozygotes.

Submissions (3):

CeGaT Center for Human Genetics Tuebingen
Classification: Likely benign. Last evaluated: 2025-08-01. Review status: criteria provided, single submitter. Criteria: CeGaT Center For Human Genetics Tuebingen Variant Classification Criteria Version 2. Collection method: clinical testing. Allele origin: germline. Affected: yes. Observed: 1 variant allele.
Comment: PHOX2B: BP4, BP7

Ambry Genetics
Classification: Likely benign for Hereditary cancer-predisposing syndrome. Last evaluated: 2020-07-23. Review status: criteria provided, single submitter. Criteria: Ambry Variant Classification Scheme 2023. Collection method: clinical testing. Allele origin: germline.

Labcorp Genetics (formerly Invitae), Labcorp
Classification: Likely benign for Haddad syndrome. Last evaluated: 2018-10-29. Review status: criteria provided, single submitter. Criteria: Invitae Variant Classification Sherloc (09022015). Collection method: clinical testing. Allele origin: germline.